The following is an entry in ClinVar:

ClinVar aggregate classification (germline): Uncertain significance. Review status: criteria provided, multiple submitters, no conflicts (2 of 4 stars). 2 submissions from 2 submitters: Uncertain significance (2). Last evaluated 2026-05-26.

Conditions:
PCNT-related disorder. Also called: PCNT-related condition.
Microcephalic osteodysplastic primordial dwarfism type II (MOPD2). Also called: OSTEODYSPLASTIC PRIMORDIAL DWARFISM, TYPE II; Microcephalic osteodysplastic primordial dwarfism with tooth abnormalities; MOPD II. Identifiers: Orphanet 2637, MedGen C0432246, MONDO:0008872, OMIM 210720.

Allele frequency attached by ClinVar (database versions not stated): gnomAD exomes 0.00001; TOPMed 0.00001.

Submissions (2):

PreventionGenetics, part of Exact Sciences
Classification: Uncertain significance for PCNT-related condition. Last evaluated: 2026-05-26. Review status: criteria provided, single submitter. Criteria: ACMG Guidelines, 2015. Collection method: clinical testing. Allele origin: germline.
Comment: The PCNT c.8996+5G>A variant is predicted to interfere with splicing. To our knowledge, this variant has not been reported in the literature or in a large population database (gnomAD). At this time, the clinical significance of this variant is uncertain due to the absence of conclusive functional and genetic evidence.

Illumina Laboratory Services, Illumina
Classification: Uncertain significance for Microcephalic osteodysplastic primordial dwarfism type II. Last evaluated: 2018-01-13. Review status: criteria provided, single submitter. Criteria: ICSL Variant Classification Criteria 13 December 2019. Collection method: clinical testing. Allele origin: germline.

NM_006031.6(PCNT):c.8996+5G>A

Gene: PCNT (pericentrin; plus strand). Cytogenetic location: 21q22.3.
Variant type: single nucleotide variant.
Coding change: c.8996+5G>A on transcript NM_006031.6 (MANE Select); 5 bases into the intron after coding-DNA position 8996, G replaced by A.
Molecular consequence: intron variant.
Genome position (GRCh38, 1-based): chr21:46,436,153, G>A. VCF-style: chr21-46436153-G-A. GRCh37 (hg19) VCF-style: chr21-47856066-G-A.
Other names: c.8405+5G>A (NM_001315529.2).
Identifiers: ClinVar variation 340538 (VCV000340538.6), dbSNP rs886057193, ClinGen allele CA10653741.